The following is an entry in ClinVar:

NM_020117.11(LARS1):c.1880C>T (p.Pro627Leu)

Gene: LARS1 (leucyl-tRNA synthetase 1; minus strand). Cytogenetic location: 5q32.
Variant type: single nucleotide variant.
Coding change: c.1880C>T on transcript NM_020117.11 (MANE Select); coding-DNA position 1880, C replaced by T.
Protein change: p.Pro627Leu; replaces proline 627 with leucine.
Molecular consequence: missense variant.
Genome position (GRCh38, 1-based): chr5:146,143,082, G>A on the plus strand (C>T on the coding strand, the complement: LARS1 is on the minus strand). VCF-style: chr5-146143082-G-A. GRCh37 (hg19) VCF-style: chr5-145522645-G-A.
Other names: c.1742C>T, p.Pro581Leu (NM_001317964.2); c.1718C>T, p.Pro573Leu (NM_001317965.2); c.1799C>T, p.Pro600Leu (NM_016460.4); c.1880C>T (NM_020117.9); short protein forms P573L, P581L, P600L, P627L.
Identifiers: ClinVar variation 871841 (VCV000871841.51), dbSNP rs759215928, ClinGen allele CA3489470.

ClinVar aggregate classification (germline): Uncertain significance. Review status: criteria provided, multiple submitters, no conflicts (2 of 4 stars). 4 submissions from 4 submitters: Uncertain significance (4). Last evaluated 2025-02-05.

Conditions:
Global developmental delay (DD). Also called: Cognitive delay. Identifiers: MedGen C0557874, HP:0001263. Disease mechanism: loss of function.
Generalized-onset seizure. Also called: Generalized seizures. Identifiers: MedGen C0234533, HP:0002197.
Normochromic microcytic anemia. Identifiers: MedGen C0271902, HP:0004856.
Sensorineural hearing loss disorder. Also called: Sensorineural hearing loss; Sensorineural Deafness; Sensorineural hearing impairment. Identifiers: MedGen C0018784, MeSH D006319, MONDO:0020678, HP:0000407.

Allele frequency attached by ClinVar (database versions not stated): gnomAD exomes 0.00001 and 0.00002; TOPMed 0.00001; ExAC 0.00002.
gnomAD v4.1: 13 of 1,596,702 alleles (0.00081%); highest among the groups gnomAD compares: Admixed American, 0.0035%; no homozygotes.

Submissions (4):

Ambry Genetics
Classification: Uncertain significance. Last evaluated: 2025-02-05. Review status: criteria provided, single submitter. Criteria: Ambry Variant Classification Scheme 2023. Collection method: clinical testing. Allele origin: germline.

Labcorp Genetics (formerly Invitae), Labcorp
Classification: Uncertain significance. Last evaluated: 2023-03-30. Review status: criteria provided, single submitter. Criteria: Invitae Variant Classification Sherloc (09022015). Collection method: clinical testing. Allele origin: germline.
Comment: In summary, the available evidence is currently insufficient to determine the role of this variant in disease. Therefore, it has been classified as a Variant of Uncertain Significance. An algorithm developed to predict the effect of missense changes on protein structure and function (PolyPhen-2) suggests that this variant is likely to be tolerated. ClinVar contains an entry for this variant (Variation ID: 871841). This missense change has been observed in individual(s) with LARS1 deficiency (Invitae). This variant is present in population databases (rs759215928, gnomAD 0.006%). This sequence change replaces proline with leucine at codon 627 of the LARS protein (p.Pro627Leu). There is a moderate physicochemical difference between proline and leucine.

CeGaT Center for Human Genetics Tuebingen
Classification: Uncertain significance. Last evaluated: 2019-12-01. Review status: criteria provided, single submitter. Criteria: CeGaT Center For Human Genetics Tuebingen Variant Classification Criteria Version 2. Collection method: clinical testing. Allele origin: germline. Affected: yes. Observed: 1 variant allele.

Institute for Medical Genetics and Human Genetics, Charité - Universitätsmedizin Berlin
Classification: Uncertain significance for Generalized-onset seizure; Sensorineural hearing loss disorder; Global developmental delay; Normochromic microcytic anemia. Review status: criteria provided, single submitter. Criteria: ACMG Guidelines, 2015. Collection method: clinical testing. Allele origin: germline. Inheritance: Autosomal recessive inheritance. Affected: yes. Observed: 1 homozygote.
Comment: The base exchange leads on the protein level to the exchange of the amino acid proline, which is conserved over several species, to leucine at position 627. The amino acid exchange is located in the catalytic domain of the enzyme and tends to be classified as pathogenic by prediction tools. The sequence variant is listed in the database gnomAD 5x in the heterozygous state, but not in the homozygous state. LARS1 (MIM *151350) codes for a cytoplasmic aminoacyl-tRNA synthetase (AaRS), an enzyme that is substantially involved in protein biosynthesis. Biallelic missense mutations in LARS1 are associated with the clinical picture "Acute infantile liver failure with multisystem involvement" (MIM #615438). So far, 14 affected individuals from six different families with biallelic mutations in LARS1 have been described (Casey et al. 2012, Casey et al. 2015, El-Gharbawy et al. 2015, Lin et al., 2017, Peoutka et al. 2018). In all 14 patients a variably pronounced liver dysfunction (from intermittent transaminase increase to acute liver failure) within the first year of life was reported, which was triggered in particular by fever. Hypoalbuminaemia was detected in 12 patients. In addition, a variably pronounced developmental delay was reported in 9 patients. The other clinical abnormalities include: Epilepsy, structural changes in cranial imaging (e.g. cerebral atrophy), persistent microcytic anaemia, Fanconie syndrome, hypercoagulability, hyperbilirubinaemia and preterm delivery. According to the ACMG criteria, we must currently classify the above sequence variant as a variant of unclear significance (class III). We assume a 25% risk of recurrence of the above-mentioned clinical picture for further children born together.